The following is an entry in ClinVar:

ClinVar aggregate classification (germline): Uncertain significance (1 of 4 stars; one submission).

Allele frequency attached by ClinVar (database versions not stated): gnomAD exomes below 0.00001.
gnomAD v4.1: 3 of 1,614,060 alleles (0.00019%); highest among the groups gnomAD compares: East Asian, 0.0022%; no homozygotes.

Submission:

Labcorp Genetics (formerly Invitae), Labcorp
Classification: Uncertain significance. Last evaluated: 2023-12-16. Review status: criteria provided, single submitter. Criteria: Invitae Variant Classification Sherloc (09022015). Collection method: clinical testing. Allele origin: germline.
Comment: This sequence change replaces isoleucine, which is neutral and non-polar, with threonine, which is neutral and polar, at codon 357 of the BLK protein (p.Ile357Thr). This variant is present in population databases (no rsID available, gnomAD 0.0009%). This variant has not been reported in the literature in individuals affected with BLK-related conditions. An algorithm developed to predict the effect of missense changes on protein structure and function (PolyPhen-2) suggests that this variant is likely to be disruptive. In summary, the available evidence is currently insufficient to determine the role of this variant in disease. Therefore, it has been classified as a Variant of Uncertain Significance.

NM_001715.3(BLK):c.1070T>C (p.Ile357Thr)

Gene: BLK (BLK proto-oncogene, Src family tyrosine kinase). Cytogenetic location: 8p23.1.
Variant type: single nucleotide variant.
Coding change: c.1070T>C on transcript NM_001715.3 (MANE Select); coding-DNA position 1070, T replaced by C.
Protein change: p.Ile357Thr; replaces isoleucine 357 with threonine.
Molecular consequence: missense variant.
Genome position (GRCh38, 1-based): chr8:11,561,342, T>C. VCF-style: chr8-11561342-T-C. GRCh37 (hg19) VCF-style: chr8-11418851-T-C.
Other names: c.857T>C, p.Ile286Thr (NM_001330465.2); short protein forms I286T, I357T.
Identifiers: ClinVar variation 2703608 (VCV002703608.3), dbSNP rs1323603485, ClinGen allele CA370315991.
Genomic context (GRCh38, chr8:11,561,342, plus strand): 5'-CCATGTGCCTGTTCCCTCAGATTGCTGAAGGGATGGCATACATTGAGCGCATGAATTCCA[T>C]CCACCGCGACCTGCGGGCGGCCAACATCCTGGTGTCTGAGGCCTTGTGCTGCAAAATTGC-3'
Protein context (NP_001706.2, residues 347-367): GMAYIERMNS[Ile357Thr]HRDLRAANIL